The following is an entry in ClinVar:

NM_000297.4(PKD2):c.2033C>T (p.Ala678Val)

Gene: PKD2 (polycystin 2, transient receptor potential cation channel; plus strand). Cytogenetic location: 4q22.1.
Variant type: single nucleotide variant.
Coding change: c.2033C>T on transcript NM_000297.4 (MANE Select); coding-DNA position 2033, C replaced by T.
Protein change: p.Ala678Val; replaces alanine 678 with valine.
Molecular consequence: missense variant. On other transcripts: non-coding transcript variant (1).
Genome position (GRCh38, 1-based): chr4:88,061,919, C>T. VCF-style: chr4-88061919-C-T. GRCh37 (hg19) VCF-style: chr4-88983071-C-T.
Other names: short protein forms A678V.
Identifiers: ClinVar variation 3705794 (VCV003705794.2).
Genomic context (GRCh38, chr4:88,061,919, plus strand): 5'-ATTATGTTTCTTCCTTTAATTTTTGCCCTCCTTTCATTTACAAACAGAATATGTTTTTGG[C>T]TATCATCAATGATACTTACTCTGAAGTGAAATCTGACTTGGCACAGCAGAAAGCTGAAAT-3'
Protein context (NP_000288.1, residues 668-688): MFFILLNMFL[Ala678Val]IINDTYSEVK

ClinVar aggregate classification (germline): Uncertain significance (1 of 4 stars; one submission).

Conditions:
Autosomal dominant polycystic kidney disease. Identifiers: Orphanet 730, MedGen C0085413, MONDO:0004691.

gnomAD v4.1: 6 of 1,523,850 alleles (0.00039%); highest among the groups gnomAD compares: Non-Finnish European, 0.00046%; no homozygotes.

Submission:

Labcorp Genetics (formerly Invitae), Labcorp
Classification: Uncertain significance for Autosomal dominant polycystic kidney disease. Last evaluated: 2026-01-18. Review status: criteria provided, single submitter. Criteria: Invitae Variant Classification Sherloc (09022015). Collection method: clinical testing. Allele origin: germline.
Comment: This sequence change replaces alanine, which is neutral and non-polar, with valine, which is neutral and non-polar, at codon 678 of the PKD2 protein (p.Ala678Val). This variant is present in population databases (rs763671263, gnomAD 0.002%). This variant has not been reported in the literature in individuals affected with PKD2-related conditions. ClinVar contains an entry for this variant (Variation ID: 3705794). Invitae Evidence Modeling of protein sequence and biophysical properties (such as structural, functional, and spatial information, amino acid conservation, physicochemical variation, residue mobility, and thermodynamic stability) indicates that this missense variant is expected to disrupt PKD2 protein function with a positive predictive value of 80%. In summary, the available evidence is currently insufficient to determine the role of this variant in disease. Therefore, it has been classified as a Variant of Uncertain Significance.